The following is an entry in ClinVar:

ClinVar aggregate classification (germline): Uncertain significance. Review status: criteria provided, multiple submitters, no conflicts (2 of 4 stars). 2 submissions from 2 submitters: Uncertain significance (2). Last evaluated 2026-07-01.

Conditions:
Hereditary pheochromocytoma and paraganglioma. Also called: Hereditary paragangliomas and pheochromocytomas; Hereditary Paraganglioma-Pheochromocytoma Syndromes; Hereditary pheochromocytoma-paraganglioma. Identifiers: Orphanet 29072, MedGen C4274332, MONDO:0017366.
Hereditary cancer-predisposing syndrome. Also called: Neoplastic Syndromes, Hereditary; Tumor predisposition; Hereditary Cancer Syndrome; Hereditary neoplastic syndrome. Identifiers: Orphanet 140162, MedGen C0027672, MeSH D009386, MONDO:0015356.

Submissions (2):

Ambry Genetics
Classification: Uncertain significance for Hereditary cancer-predisposing syndrome. Last evaluated: 2026-07-01. Review status: criteria provided, single submitter. Criteria: Ambry Variant Classification Scheme 2023. Collection method: clinical testing. Allele origin: germline.
Comment: The p.E133A variant (also known as c.398A>C), located in coding exon 4 of the SDHAF2 gene, results from an A to C substitution at nucleotide position 398. The glutamic acid at codon 133 is replaced by alanine, an amino acid with dissimilar properties. This amino acid position is conserved. In addition, this alteration is predicted to be tolerated by in silico analysis. Based on the available evidence, the clinical significance of this variant remains unclear.

Labcorp Genetics (formerly Invitae), Labcorp
Classification: Uncertain significance for Hereditary pheochromocytoma and paraganglioma. Last evaluated: 2025-04-13. Review status: criteria provided, single submitter. Criteria: Invitae Variant Classification Sherloc (09022015). Collection method: clinical testing. Allele origin: germline.
Comment: This sequence change replaces glutamic acid, which is acidic and polar, with alanine, which is neutral and non-polar, at codon 133 of the SDHAF2 protein (p.Glu133Ala). This variant is not present in population databases (gnomAD no frequency). This variant has not been reported in the literature in individuals affected with SDHAF2-related conditions. An algorithm developed to predict the effect of missense changes on protein structure and function (PolyPhen-2) suggests that this variant is likely to be tolerated. In summary, the available evidence is currently insufficient to determine the role of this variant in disease. Therefore, it has been classified as a Variant of Uncertain Significance.

NM_017841.4(SDHAF2):c.398A>C (p.Glu133Ala)

Gene: SDHAF2 (succinate dehydrogenase complex assembly factor 2; plus strand). Cytogenetic location: 11q12.2.
Variant type: single nucleotide variant.
Coding change: c.398A>C on transcript NM_017841.4 (MANE Select); coding-DNA position 398, A replaced by C.
Protein change: p.Glu133Ala; replaces glutamic acid 133 with alanine.
Molecular consequence: missense variant.
Genome position (GRCh38, 1-based): chr11:61,445,968, A>C. VCF-style: chr11-61445968-A-C. GRCh37 (hg19) VCF-style: chr11-61213440-A-C.
Other names: short protein forms E133A.
Identifiers: ClinVar variation 4806882 (VCV004806882.2).